The following is an entry in ClinVar:

NM_004484.4(GPC3):c.1414-3C>T

Gene: GPC3 (glypican 3; minus strand). Cytogenetic location: Xq26.2.
Variant type: single nucleotide variant.
Coding change: c.1414-3C>T on transcript NM_004484.4 (MANE Select); 3 bases into the intron before coding-DNA position 1414, C replaced by T.
Molecular consequence: intron variant.
Genome position (GRCh38, 1-based): chrX:133,596,602, G>A on the plus strand (C>T on the coding strand, the complement: GPC3 is on the minus strand). VCF-style: chrX-133596602-G-A. GRCh37 (hg19) VCF-style: chrX-132730630-G-A.
Other names: c.1252-3C>T (NM_001164619.2); c.1366-3C>T (NM_001164618.2); c.1483-3C>T (NM_001164617.2).
Identifiers: ClinVar variation 852790 (VCV000852790.8), dbSNP rs2069919599, ClinGen allele CA645611832.

ClinVar aggregate classification (germline): Uncertain significance (1 of 4 stars; one submission).

Conditions:
Wilms tumor 1 (WT1). Also called: Wilms tumor, somatic. Identifiers: Orphanet 654, MedGen CN033288, MONDO:0008679, OMIM 194070.

Allele frequency attached by ClinVar (database versions not stated): TOPMed below 0.00001.
gnomAD v4.1: 2 of 1,209,297 alleles (0.00017%); no homozygotes.

Submission:

Labcorp Genetics (formerly Invitae), Labcorp
Classification: Uncertain significance for Wilms tumor 1. Last evaluated: 2025-08-13. Review status: criteria provided, single submitter. Criteria: Invitae Variant Classification Sherloc (09022015). Collection method: clinical testing. Allele origin: germline.
Comment: This sequence change falls in intron 6 of the GPC3 gene. It does not directly change the encoded amino acid sequence of the GPC3 protein. It affects a nucleotide within the consensus splice site. This variant is not present in population databases (gnomAD no frequency). This variant has not been reported in the literature in individuals affected with GPC3-related conditions. ClinVar contains an entry for this variant (Variation ID: 852790). Variants that disrupt the consensus splice site are a relatively common cause of aberrant splicing (PMID: 17576681, 9536098). Algorithms developed to predict the effect of sequence changes on RNA splicing suggest that this variant is not likely to affect RNA splicing. In summary, the available evidence is currently insufficient to determine the role of this variant in disease. Therefore, it has been classified as a Variant of Uncertain Significance.

Literature cited by the submitters: PubMed 17576681; PubMed 9536098.